The following is an entry in ClinVar:

ClinVar aggregate classification (germline): Likely benign. Review status: criteria provided, single submitter (1 of 4 stars). 2 submissions from 2 submitters: Likely benign (1). 1 of the submissions does not count toward it. Last evaluated 2026-01-20.

Conditions:
MCEE-related disorder. Also called: MCEE-related condition.
Methylmalonic acidemia due to methylmalonyl-CoA epimerase deficiency. Also called: METHYLMALONIC ACIDURIA III; Methylmalonyl-CoA Epimerase Deficiency; METHYLMALONYL-CoA RACEMASE DEFICIENCY. Identifiers: Orphanet 308425, MedGen C1855100, MONDO:0009615, OMIM 251120.

Allele frequency attached by ClinVar (database versions not stated): TOPMed 0.00005; gnomAD 0.00006 and 0.00007; gnomAD exomes 0.00006; ExAC 0.00009.
gnomAD v4.1: 105 of 1,607,796 alleles (0.0065%); highest among the groups gnomAD compares: Middle Eastern, 0.033%; no homozygotes.

Submissions (2):

Labcorp Genetics (formerly Invitae), Labcorp
Classification: Likely benign for Methylmalonic acidemia due to methylmalonyl-CoA epimerase deficiency. Last evaluated: 2026-01-20. Review status: criteria provided, single submitter. Criteria: Invitae Variant Classification Sherloc (09022015). Collection method: clinical testing. Allele origin: germline.

PreventionGenetics, part of Exact Sciences
Classification: Likely benign for MCEE-related condition. Last evaluated: 2019-11-26. Review status: no assertion criteria provided. Collection method: clinical testing. Allele origin: germline. Not counted in ClinVar's aggregate classification.
Comment: This variant is classified as likely benign based on ACMG/AMP sequence variant interpretation guidelines (Richards et al. 2015 PMID: 25741868, with internal and published modifications).

NM_032601.4(MCEE):c.375C>T (p.Ile125=)

Gene: MCEE (methylmalonyl-CoA epimerase; minus strand). Cytogenetic location: 2p13.3.
Variant type: single nucleotide variant.
Coding change: c.375C>T on transcript NM_032601.4 (MANE Select); coding-DNA position 375, C replaced by T.
Protein change: p.Ile125=; no amino-acid change (isoleucine 125 retained).
Molecular consequence: synonymous variant.
Genome position (GRCh38, 1-based): chr2:71,124,209, G>A on the plus strand (C>T on the coding strand, the complement: MCEE is on the minus strand). VCF-style: chr2-71124209-G-A. GRCh37 (hg19) VCF-style: chr2-71351339-G-A.
Other names: c.375C>T (NM_032601.3).
Identifiers: ClinVar variation 1115828 (VCV001115828.11), dbSNP rs748574475, ClinGen allele CA1702599.